The following is an entry in ClinVar:

ClinVar aggregate classification (germline): Uncertain significance. Review status: criteria provided, single submitter (1 of 4 stars). 2 submissions from 2 submitters: Uncertain significance (1). 1 of the submissions does not count toward it. Last evaluated 2024-12-23.

Conditions:
TSHZ1-related disorder. Also called: TSHZ1-related condition.

Allele frequency attached by ClinVar (database versions not stated): TOPMed below 0.00001; gnomAD 0.00001; ExAC 0.00002; gnomAD exomes 0.00002.
gnomAD v4.1: 35 of 1,614,020 alleles (0.0022%); highest among the groups gnomAD compares: Admixed American, 0.0033%; no homozygotes.

Submissions (2):

Ambry Genetics
Classification: Uncertain significance. Last evaluated: 2024-12-23. Review status: criteria provided, single submitter. Criteria: Ambry Variant Classification Scheme 2023. Collection method: clinical testing. Allele origin: germline.

PreventionGenetics, part of Exact Sciences
Classification: Uncertain significance for TSHZ1-related condition. Last evaluated: 2024-02-11. Review status: no assertion criteria provided. Collection method: clinical testing. Allele origin: germline. Not counted in ClinVar's aggregate classification.
Comment: The TSHZ1 c.2731G>A variant is predicted to result in the amino acid substitution p.Gly911Arg. To our knowledge, this variant has not been reported in the literature. This variant is reported in 0.0056% of alleles in individuals of Latino descent in gnomAD. At this time, the clinical significance of this variant is uncertain due to the absence of conclusive functional and genetic evidence.

NM_001308210.2(TSHZ1):c.2866G>A (p.Gly956Arg)

Gene: TSHZ1 (teashirt zinc finger homeobox 1; plus strand). Cytogenetic location: 18q22.3.
Variant type: single nucleotide variant.
Coding change: c.2866G>A on transcript NM_001308210.2 (MANE Select); coding-DNA position 2866, G replaced by A.
Protein change: p.Gly956Arg; replaces glycine 956 with arginine.
Molecular consequence: missense variant.
Genome position (GRCh38, 1-based): chr18:75,288,273, G>A. VCF-style: chr18-75288273-G-A. GRCh37 (hg19) VCF-style: chr18-73000228-G-A.
Other names: c.2731G>A, p.Gly911Arg (NM_005786.6); c.2731G>A (NM_005786.4); short protein forms G911R, G956R.
Identifiers: ClinVar variation 3030628 (VCV003030628.3), dbSNP rs758379041, ClinGen allele CA9002377.